The following is an entry in ClinVar:

ClinVar aggregate classification (germline): Uncertain significance. Review status: criteria provided, multiple submitters, no conflicts (2 of 4 stars). 2 submissions from 2 submitters: Uncertain significance (2). Last evaluated 2024-12-18.

Conditions:
Inborn genetic diseases. Identifiers: MedGen C0950123, MeSH D030342.

Allele frequency attached by ClinVar (database versions not stated): ESP Exome Variant Server 0.00008; TOPMed below 0.00001; ExAC 0.00001; gnomAD exomes below 0.00001.
gnomAD v4.1: 1 of 1,614,142 alleles (0.000062%); highest among the groups gnomAD compares: South Asian, 0.0011%; no homozygotes.

Submissions (2):

GeneDx
Classification: Uncertain significance. Last evaluated: 2024-12-18. Review status: criteria provided, single submitter. Criteria: GeneDx Variant Classification Process June 2021. Collection method: clinical testing. Allele origin: germline. Affected: yes.
Comment: Not observed at significant frequency in large population cohorts (gnomAD); In silico analysis indicates that this missense variant does not alter protein structure/function; Has not been previously published as pathogenic or benign to our knowledge

Ambry Genetics
Classification: Uncertain significance for Inborn genetic diseases. Last evaluated: 2022-06-09. Review status: criteria provided, single submitter. Criteria: Ambry Variant Classification Scheme 2023. Collection method: clinical testing. Allele origin: germline.

NM_005121.3(MED13):c.4476G>C (p.Gln1492His)

Gene: MED13 (mediator complex subunit 13; minus strand). Cytogenetic location: 17q23.2.
Variant type: single nucleotide variant.
Coding change: c.4476G>C on transcript NM_005121.3 (MANE Select); coding-DNA position 4476, G replaced by C.
Protein change: p.Gln1492His; replaces glutamine 1492 with histidine.
Molecular consequence: missense variant.
Genome position (GRCh38, 1-based): chr17:61,965,374, C>G on the plus strand (G>C on the coding strand, the complement: MED13 is on the minus strand). VCF-style: chr17-61965374-C-G. GRCh37 (hg19) VCF-style: chr17-60042735-C-G.
Other names: short protein forms Q1492H.
Identifiers: ClinVar variation 2294733 (VCV002294733.3), dbSNP rs371013621, ClinGen allele CA8692410.